The following is an entry in ClinVar:

NM_000179.3(MSH6):c.2302C>G (p.Pro768Ala)

Gene: MSH6 (mutS homolog 6; plus strand). Cytogenetic location: 2p16.3.
Variant type: single nucleotide variant.
Coding change: c.2302C>G on transcript NM_000179.3 (MANE Select); coding-DNA position 2302, C replaced by G.
Protein change: p.Pro768Ala; replaces proline 768 with alanine.
Molecular consequence: missense variant.
Genome position (GRCh38, 1-based): chr2:47,800,285, C>G. VCF-style: chr2-47800285-C-G. GRCh37 (hg19) VCF-style: chr2-48027424-C-G.
Other names: c.1396C>G, p.Pro466Ala (NM_001281493.2, NM_001281494.2); c.1912C>G, p.Pro638Ala (NM_001281492.2); short protein forms P768A, P638A, P466A.
Identifiers: ClinVar variation 421501 (VCV000421501.22), dbSNP rs35946687, ClinGen allele CA068796.

ClinVar aggregate classification (germline): Conflicting classifications of pathogenicity. Review status: criteria provided, conflicting classifications (1 of 4 stars). 7 submissions from 7 submitters: Uncertain significance (6); Likely benign (1). Last evaluated 2025-10-27.

Conditions:
Hereditary cancer-predisposing syndrome. Also called: Hereditary neoplastic syndrome; Neoplastic Syndromes, Hereditary; Tumor predisposition; Hereditary Cancer Syndrome. Identifiers: Orphanet 140162, MedGen C0027672, MeSH D009386, MONDO:0015356.
Hereditary nonpolyposis colorectal neoplasms. Identifiers: MedGen C0009405, MeSH D003123.
Lynch syndrome. Identifiers: Orphanet 144, MedGen C4552100, MONDO:0005835. Disease mechanism: loss of function.
Endometrial carcinoma. Also called: Endometrial carcinoma, somatic. Identifiers: MedGen C0476089, MONDO:0002447, OMIM 608089, HP:0012114.

Allele frequency attached by ClinVar (database versions not stated): ExAC 0.00001.

Submissions (7):

Labcorp Genetics (formerly Invitae), Labcorp
Classification: Likely benign for Hereditary nonpolyposis colorectal neoplasms. Last evaluated: 2025-10-27. Review status: criteria provided, single submitter. Criteria: Invitae Variant Classification Sherloc (09022015). Collection method: clinical testing. Allele origin: germline.

Quest Diagnostics Nichols Institute San Juan Capistrano
Classification: Uncertain significance. Last evaluated: 2024-03-18. Review status: criteria provided, single submitter. Criteria: Quest Diagnostics criteria. Collection method: clinical testing. Allele origin: unknown.
Comment: The MSH6 c.2302C>G (p.Pro768Ala) variant has been reported in the published literature in an individual with ovarian cancer (PMID: 34326862 (2021)). The frequency of this variant in the general population, 0.000004 (1/251152 chromosomes (Genome Aggregation Database)), is uninformative in the assessment of its pathogenicity. Analysis of this variant using bioinformatics tools for the prediction of the effect of amino acid changes on protein structure and function yielded predictions that this variant is benign. Based on the available information, we are unable to determine the clinical significance of this variant.

All of Us Research Program, National Institutes of Health
Classification: Uncertain significance for Lynch syndrome. Last evaluated: 2023-12-13. Review status: criteria provided, single submitter. Criteria: ACMG Guidelines, 2015. Collection method: clinical testing. Allele origin: germline. Inheritance: Autosomal dominant inheritance. Observed: 3 variant alleles, 3 heterozygotes.
Comment: This missense variant replaces proline with alanine at codon 768 of the MSH6 protein. Computational prediction is inconclusive regarding the impact of this variant on protein structure and function (internally defined REVEL score threshold 0.5 < inconclusive < 0.7, PMID: 27666373). To our knowledge, functional studies have not been reported for this variant. This variant has not been reported in individuals affected with MSH6-related disorders in the literature. This variant has been identified in 1/251152 chromosomes in the general population by the Genome Aggregation Database (gnomAD). The available evidence is insufficient to determine the role of this variant in disease conclusively. Therefore, this variant is classified as a Variant of Uncertain Significance.

This study involves interpretation of variants in research participants for the purpose of population health screening. Participant phenotype was not available at the time of variant classification. Additional details can be found in publication PMID: 35346344, PMCID: PMC8962531

Color Diagnostics, LLC DBA Color Health
Classification: Uncertain significance for Hereditary cancer-predisposing syndrome. Last evaluated: 2023-11-02. Review status: criteria provided, single submitter. Criteria: ACMG Guidelines, 2015. Collection method: clinical testing. Allele origin: germline.
Comment: This missense variant replaces proline with alanine at codon 768 of the MSH6 protein. Computational prediction is inconclusive regarding the impact of this variant on protein structure and function (internally defined REVEL score threshold 0.5 < inconclusive < 0.7, PMID: 27666373). To our knowledge, functional studies have not been reported for this variant. This variant has not been reported in individuals affected with MSH6-related disorders in the literature. This variant has been identified in 1/251152 chromosomes in the general population by the Genome Aggregation Database (gnomAD). The available evidence is insufficient to determine the role of this variant in disease conclusively. Therefore, this variant is classified as a Variant of Uncertain Significance.

Ambry Genetics
Classification: Uncertain significance for Hereditary cancer-predisposing syndrome. Last evaluated: 2023-10-20. Review status: criteria provided, single submitter. Criteria: Ambry Variant Classification Scheme 2023. Collection method: clinical testing. Allele origin: germline.
Comment: The p.P768A variant (also known as c.2302C>G), located in coding exon 4 of the MSH6 gene, results from a C to G substitution at nucleotide position 2302. The proline at codon 768 is replaced by alanine, an amino acid with highly similar properties. This amino acid position is well conserved in available vertebrate species. In addition, the in silico prediction for this alteration is inconclusive. Since supporting evidence is limited at this time, the clinical significance of this alteration remains unclear.

Baylor Genetics
Classification: Uncertain significance for Endometrial carcinoma. Last evaluated: 2023-08-02. Review status: criteria provided, single submitter. Criteria: ACMG Guidelines, 2015. Collection method: clinical testing. Allele origin: unknown.

GeneDx
Classification: Uncertain significance. Last evaluated: 2016-06-20. Review status: criteria provided, single submitter. Criteria: GeneDx Variant Classification (06012015). Collection method: clinical testing. Allele origin: germline. Affected: yes.
Comment: This variant is denoted MSH6 c.2302C>G at the cDNA level, p.Pro768Ala (P768A) at the protein level, and results in the change of a Proline to an Alanine (CCT>GCT). This variant has not, to our knowledge, been published in the literature as pathogenic or benign. MSH6 Pro768Ala was not observed in approximately 6,500 individuals of European and African American ancestry in the NHLBI Exome Sequencing Project, suggesting it is not a common benign variant in these populations. Since Proline and Alanine differ in some properties, this is considered a semi-conservative amino acid substitution. MSH6 Pro768Ala occurs at a position that is not conserved and is located within MutS domain III (Terui 2013). In silico analyses are inconsistent regarding the effect this variant may have on protein structure and function. Based on currently available evidence, it is unclear whether MSH6 Pro768Ala is a pathogenic or benign variant. We consider it to be a variant of uncertain significance.

Literature cited by the submitters: PubMed 34326862 (cited by Quest Diagnostics Nichols Institute San Juan Capistrano); PubMed 21153778 (cited by Quest Diagnostics Nichols Institute San Juan Capistrano).